The following is an entry in ClinVar:

ClinVar aggregate classification (germline): Uncertain significance (1 of 4 stars; one submission).

Submission:

GeneDx
Classification: Uncertain significance. Last evaluated: 2023-02-08. Review status: criteria provided, single submitter. Criteria: GeneDx Variant Classification Process June 2021. Collection method: clinical testing. Allele origin: germline. Affected: yes.
Comment: Not observed at significant frequency in large population cohorts (gnomAD); In silico analysis supports that this missense variant has a deleterious effect on protein structure/function; Has not been previously published as pathogenic or benign to our knowledge

NM_006796.3(AFG3L2):c.1208T>C (p.Ile403Thr)

Gene: AFG3L2 (AFG3 like matrix AAA peptidase subunit 2; minus strand). Cytogenetic location: 18p11.21.
Variant type: single nucleotide variant.
Coding change: c.1208T>C on transcript NM_006796.3 (MANE Select); coding-DNA position 1208, T replaced by C.
Protein change: p.Ile403Thr; replaces isoleucine 403 with threonine.
Molecular consequence: missense variant.
Genome position (GRCh38, 1-based): chr18:12,353,115, A>G on the plus strand (T>C on the coding strand, the complement: AFG3L2 is on the minus strand). VCF-style: chr18-12353115-A-G. GRCh37 (hg19) VCF-style: chr18-12353114-A-G.
Other names: short protein forms I403T.
Identifiers: ClinVar variation 2575573 (VCV002575573.1), dbSNP rs2510227854, ClinGen allele CA401952956.